The following is an entry in ClinVar:

ClinVar aggregate classification (germline): Uncertain significance (1 of 4 stars; one submission).

Conditions:
Craniolenticulosutural dysplasia (CLSD). Also called: BOYADJIEV-JABS SYNDROME. Identifiers: Orphanet 50814, MedGen C1843042, MONDO:0011911, OMIM 607812.

Submission:

Labcorp Genetics (formerly Invitae), Labcorp
Classification: Uncertain significance for Craniolenticulosutural dysplasia. Last evaluated: 2023-11-03. Review status: criteria provided, single submitter. Criteria: Invitae Variant Classification Sherloc (09022015). Collection method: clinical testing. Allele origin: germline.
Comment: This sequence change creates a premature translational stop signal (p.Pro565Glnfs*20) in the SEC23A gene. It is expected to result in an absent or disrupted protein product. However, the current clinical and genetic evidence is not sufficient to establish whether loss-of-function variants in SEC23A cause disease. This variant is not present in population databases (gnomAD no frequency). This variant has not been reported in the literature in individuals affected with SEC23A-related conditions. In summary, the available evidence is currently insufficient to determine the role of this variant in disease. Therefore, it has been classified as a Variant of Uncertain Significance.

NM_006364.4(SEC23A):c.1694del (p.Pro565fs)

Gene: SEC23A (SEC23 homolog A, COPII component; minus strand). Cytogenetic location: 14q21.1.
Variant type: Deletion.
Coding change: c.1694del on transcript NM_006364.4 (MANE Select); coding-DNA position 1694, one base deleted (C; older notation c.1694delC).
Protein change: p.Pro565fs; shifts the reading frame from proline 565.
Molecular consequence: frameshift variant.
Genome position (GRCh38, 1-based): chr14:39,048,695, G deleted on the plus strand (C on the coding strand, the reverse complement: SEC23A is on the minus strand); the first of 3 consecutive G bases (chr14:39,048,695-39,048,697); deleting any one gives the same sequence. VCF-style (leftmost placement, unchanged base first): chr14-39048694-TG-T. GRCh37 (hg19) VCF-style: chr14-39517898-TG-T.
Other names: short protein forms P565fs.
Identifiers: ClinVar variation 2758827 (VCV002758827.3), dbSNP rs2548606465, ClinGen allele CA2697553922.